The following is an entry in ClinVar:

NM_001830.4(CLCN4):c.287C>T (p.Thr96Met)

Gene: CLCN4 (chloride voltage-gated channel 4; plus strand). Cytogenetic location: Xp22.2.
Variant type: single nucleotide variant.
Coding change: c.287C>T on transcript NM_001830.4 (MANE Select); coding-DNA position 287, C replaced by T.
Protein change: p.Thr96Met; replaces threonine 96 with methionine.
Molecular consequence: missense variant.
Genome position (GRCh38, 1-based): chrX:10,194,953, C>T. VCF-style: chrX-10194953-C-T. GRCh37 (hg19) VCF-style: chrX-10162993-C-T.
Other names: c.287C>T (NM_001830.3); c.5C>T, p.Thr2Met (NM_001256944.2); short protein forms T2M, T96M.
Identifiers: ClinVar variation 2750923 (VCV002750923.4), dbSNP rs184264157, ClinGen allele CA10347053.
Genomic context (GRCh38, chrX:10,194,953, plus strand): 5'-TCGTGTTACTTCTTCCAGGCACCTTGGCTGGGGTCATCGATCTCGCCGTGGACTGGATGA[C>T]GGACCTGAAGGAGGGGGTCTGCCTGTCTGCCTTCTGGTATAGCCATGAGCAGTGTTGCTG-3'
Protein context (NP_001821.2, residues 86-106): GVIDLAVDWM[Thr96Met]DLKEGVCLSA

ClinVar aggregate classification (germline): Conflicting classifications of pathogenicity. Review status: criteria provided, conflicting classifications (1 of 4 stars). 2 submissions from 2 submitters: Uncertain significance (1); Benign (1). Last evaluated 2025-04-30.

Allele frequency attached by ClinVar (database versions not stated): TOPMed 0.00002; gnomAD exomes 0.00004; gnomAD 0.00005; ExAC 0.00006; 1000 Genomes Project 30x 0.00062; 1000 Genomes Project 0.00079.
gnomAD v4.1: 48 of 1,209,478 alleles (0.004%); highest among the groups gnomAD compares: South Asian, 0.04%; no homozygotes.

Submissions (2):

GeneDx
Classification: Uncertain significance. Last evaluated: 2025-04-30. Review status: criteria provided, single submitter. Criteria: GeneDx Variant Classification Process June 2021. Collection method: clinical testing. Allele origin: germline. Affected: yes.
Comment: In silico analysis supports that this missense variant has a deleterious effect on protein structure/function; Has not been previously published as pathogenic or benign to our knowledge

Labcorp Genetics (formerly Invitae), Labcorp
Classification: Benign. Last evaluated: 2025-04-21. Review status: criteria provided, single submitter. Criteria: Invitae Variant Classification Sherloc (09022015). Collection method: clinical testing. Allele origin: germline.